The following is an entry in ClinVar:

ClinVar aggregate classification (germline): Likely pathogenic (1 of 4 stars; one submission).

Conditions:
Marfan syndrome (MFS). Also called: FBN1-Related Marfan Syndrome; MARFAN SYNDROME, TYPE I; Marfan syndrome type 1; Marfan's syndrome; Marfan syndrome, classic. Identifiers: Orphanet 284963, Orphanet 558, MedGen C0024796, MONDO:0007947, OMIM 154700.
Familial thoracic aortic aneurysm and aortic dissection (TAAD). Also called: Thoracic aortic aneurysms and dissections. Identifiers: Orphanet 91387, MedGen C4707243, MONDO:0019625.

Submission:

Labcorp Genetics (formerly Invitae), Labcorp
Classification: Likely pathogenic for Marfan syndrome; Familial thoracic aortic aneurysm and aortic dissection. Last evaluated: 2025-03-11. Review status: criteria provided, single submitter. Criteria: Invitae Variant Classification Sherloc (09022015). Collection method: clinical testing. Allele origin: germline.
Comment: This sequence change affects a donor splice site in intron 7 of the FBN1 gene. It is expected to disrupt RNA splicing. Variants that disrupt the donor or acceptor splice site typically lead to a loss of protein function (PMID: 16199547), and loss-of-function variants in FBN1 are known to be pathogenic (PMID: 17657824, 19293843). This variant is not present in population databases (gnomAD no frequency). Disruption of this splice site has been observed in individual(s) with FBN1-related conditions (internal data). Algorithms developed to predict the effect of sequence changes on RNA splicing suggest that this variant may disrupt the consensus splice site. In summary, the currently available evidence indicates that the variant is pathogenic, but additional data are needed to prove that conclusively. Therefore, this variant has been classified as Likely Pathogenic.

Literature cited by the submitters: PubMed 16199547; PubMed 17657824; PubMed 19293843.

NM_000138.5(FBN1):c.736+2T>C

Gene: FBN1 (fibrillin 1; minus strand). Cytogenetic location: 15q21.1.
Variant type: single nucleotide variant.
Coding change: c.736+2T>C on transcript NM_000138.5 (MANE Select); the canonical splice donor site of the intron after coding-DNA position 736, T replaced by C.
Molecular consequence: splice donor variant.
Genome position (GRCh38, 1-based): chr15:48,537,609, A>G on the plus strand (T>C on the coding strand, the complement: FBN1 is on the minus strand). VCF-style: chr15-48537609-A-G. GRCh37 (hg19) VCF-style: chr15-48829806-A-G.
Other names: c.736+2T>C (NM_001406716.1, NM_001406717.1).
Identifiers: ClinVar variation 4784403 (VCV004784403.1).
Genomic context (GRCh38, chr15:48,537,609, plus strand): 5'-GAGAATGGCTCTCCAGAGCAAATAAGATTAATCCATTAATAATTCCATCAGCCCGGGTTT[A>G]CCTTGACAAGCTCCCGTGCGGATATTTGGAATGAAGCCACGGCGGCAGGGGTGAGGCTGG-3'